The following is an entry in ClinVar:

NM_001270974.2(HYDIN):c.1797C>G (p.Tyr599Ter)

Gene: HYDIN (HYDIN axonemal central pair apparatus protein; minus strand). Cytogenetic location: 16q22.2.
Variant type: single nucleotide variant.
Coding change: c.1797C>G on transcript NM_001270974.2 (MANE Select); coding-DNA position 1797, C replaced by G.
Protein change: p.Tyr599Ter; replaces tyrosine 599 with a stop codon.
Molecular consequence: nonsense.
Genome position (GRCh38, 1-based): chr16:71,069,444, G>C on the plus strand (C>G on the coding strand, the complement: HYDIN is on the minus strand). VCF-style: chr16-71069444-G-C. GRCh37 (hg19) VCF-style: chr16-71103347-G-C.
Other names: c.1878C>G, p.Tyr626Ter (NM_001198542.1); c.1848C>G, p.Tyr616Ter (NM_001198543.1); c.1797C>G, p.Tyr599Ter (NM_017558.5); short protein forms Y599*, Y616*, Y626*.
Identifiers: ClinVar variation 2671844 (VCV002671844.3), dbSNP rs760517494, ClinGen allele CA8151281.

ClinVar aggregate classification (germline): Pathogenic/Likely pathogenic. Review status: criteria provided, multiple submitters, no conflicts (2 of 4 stars). 2 submissions from 2 submitters: Pathogenic (1); Likely pathogenic (1). Last evaluated 2024-10-17.

Conditions:
HYDIN-related disorders.
Primary ciliary dyskinesia. Also called: Ciliary dyskinesia. Identifiers: Orphanet 244, MedGen C0008780, MONDO:0016575, HP:0012265.

Allele frequency attached by ClinVar (database versions not stated): ExAC 0.00026; gnomAD 0.00027.
gnomAD v4.1: 246 of 1,613,854 alleles (0.015%); highest among the groups gnomAD compares: Non-Finnish European, 0.00059%; no homozygotes.

Submissions (2):

Blueprint Genetics
Classification: Likely pathogenic for HYDIN-related disorders. Last evaluated: 2024-10-17. Review status: criteria provided, single submitter. Criteria: ACMG Guidelines, 2015. Collection method: clinical testing. Allele origin: germline. Affected: yes. Observed: 5 variant alleles.

Institute Of Molecular Biology And Genetics, Federal Almazov National Medical Research Centre
Classification: Pathogenic for Primary ciliary dyskinesia. Last evaluated: 2023-12-11. Review status: criteria provided, single submitter. Criteria: ACMG Guidelines, 2015. Collection method: clinical testing. Allele origin: paternal. Affected: yes. Observed: 1 variant allele.
Comment: This sequence change creates a premature translational stop signal (p.Tyr599*) in HYDIN gene and is expected to result in an absent or disrupted protein product. Loss-of-function is a known mechanism of primary ciliary dyskinesia. The variant has a low allele frequency in gnomAD Genomes (Version 3.1.2: f=0.00027 (Total); no allele frequency in European (Non-Finnish)). To our knowledge, the variant has not been previously described in association with PCD cases either in ClinVar database, or in the literature. For these reasons, this variant has been classified as Pathogenic.